The following is an entry in ClinVar:

ClinVar aggregate classification (germline): Uncertain significance. Review status: criteria provided, multiple submitters, no conflicts (2 of 4 stars). 2 submissions from 2 submitters: Uncertain significance (2). Last evaluated 2024-02-09.

Conditions:
Melanoma, cutaneous malignant, susceptibility to, 1 (CMM1). Also called: B-K MOLE SYNDROME; MELANOMA, MALIGNANT; DYSPLASTIC NEVUS SYNDROME, HEREDITARY; FAMILIAL ATYPICAL MOLE-MALIGNANT MELANOMA SYNDROME. Identifiers: Orphanet 618, MedGen C1835047, MONDO:0007963, OMIM 155600.
Noonan syndrome 7 (NS7). Also called: BRAF-Related Noonan Syndrome. Identifiers: Orphanet 648, MedGen C3150970, MONDO:0013379, OMIM 613706.
Lung cancer. Also called: Malignant tumor of lung; Lung cancer, somatic. Identifiers: MedGen C0242379, MONDO:0008903, OMIM 211980.
Colorectal cancer. Also called: Colorectal cancer, somatic; Malignant Colorectal Neoplasm. Identifiers: MedGen C0346629, MONDO:0005575, OMIM 114500.
LEOPARD syndrome 3 (LPRD3). Identifiers: Orphanet 500, MedGen C3150971, MONDO:0013380, OMIM 613707.
Cardiofaciocutaneous syndrome 1 (CFC1). Also called: BRAF-Related Cardiofaciocutaneous Syndrome; MAP2K1-Related Cardiofaciocutaneous Syndrome; KRAS-Related Cardiofaciocutaneous Syndrome; MAP2K2-Related Cardiofaciocutaneous Syndrome. Identifiers: Orphanet 1340, MedGen CN029449, MONDO:0007265, OMIM 115150. Disease mechanism: gain of function.
RASopathy. Also called: Noonan spectrum disorder; rasopathies. Identifiers: Orphanet 536391, MedGen C5555857, MONDO:0021060.

Submissions (2):

Fulgent Genetics
Classification: Uncertain significance for Colorectal cancer; Cardiofaciocutaneous syndrome 1; Melanoma, cutaneous malignant, susceptibility to, 1; Lung cancer; Noonan syndrome 7; LEOPARD syndrome 3. Last evaluated: 2024-02-09. Review status: criteria provided, single submitter. Criteria: ACMG Guidelines, 2015. Collection method: clinical testing. Allele origin: germline.

Labcorp Genetics (formerly Invitae), Labcorp
Classification: Uncertain significance for RASopathy. Last evaluated: 2023-03-29. Review status: criteria provided, single submitter. Criteria: Invitae Variant Classification Sherloc (09022015). Collection method: clinical testing. Allele origin: germline.
Comment: This sequence change replaces leucine, which is neutral and non-polar, with methionine, which is neutral and non-polar, at codon 227 of the BRAF protein (p.Leu227Met). This variant is not present in population databases (gnomAD no frequency). This variant has not been reported in the literature in individuals affected with BRAF-related conditions. Advanced modeling of protein sequence and biophysical properties (such as structural, functional, and spatial information, amino acid conservation, physicochemical variation, residue mobility, and thermodynamic stability) has been performed at Invitae for this missense variant, however the output from this modeling did not meet the statistical confidence thresholds required to predict the impact of this variant on BRAF protein function. In summary, the available evidence is currently insufficient to determine the role of this variant in disease. Therefore, it has been classified as a Variant of Uncertain Significance.

NM_004333.6(BRAF):c.679T>A (p.Leu227Met)

Gene: BRAF (B-Raf proto-oncogene, serine/threonine kinase; minus strand). Cytogenetic location: 7q34.
Variant type: single nucleotide variant.
Coding change: c.679T>A on transcript NM_004333.6 (MANE Select); coding-DNA position 679, T replaced by A.
Protein change: p.Leu227Met; replaces leucine 227 with methionine.
Molecular consequence: missense variant.
Genome position (GRCh38, 1-based): chr7:140,807,992, A>T on the plus strand (T>A on the coding strand, the complement: BRAF is on the minus strand). VCF-style: chr7-140807992-A-T. GRCh37 (hg19) VCF-style: chr7-140507792-A-T.
Other names: c.679T>A, p.Leu227Met (NM_001354609.2, NM_001374244.1, NM_001374258.1 and 4 more transcripts); c.688T>A, p.Leu230Met (NM_001378467.1); c.577T>A, p.Leu193Met (NM_001378470.1); c.523T>A, p.Leu175Met (NM_001378472.1, NM_001378473.1); c.415T>A, p.Leu139Met (NM_001378475.1); short protein forms L139M, L175M, L227M, L193M, L230M.
Identifiers: ClinVar variation 2864104 (VCV002864104.4), dbSNP rs2129047891, ClinGen allele CA369591022.
Genomic context (GRCh38, chr7:140,807,992, plus strand): 5'-TTTCAAAAAAAAATGTAAAGATACATACAAAGTTGTGTGTTGTAAGTGGAACATTCTCCA[A>T]CACTTCCACATGCAATTCTTCTCCAGTAAGCCAGGAAATATCAGTGTCCCAACCAATTGG-3'
Protein context (NP_004324.2, residues 217-237): LTGEELHVEV[Leu227Met]ENVPLTTHNF